The following is an entry in ClinVar:

NM_021871.4(FGA):c.28G>A (p.Val10Ile)

Gene: FGA (fibrinogen alpha chain; minus strand). Cytogenetic location: 4q31.3.
Variant type: single nucleotide variant.
Coding change: c.28G>A on transcript NM_021871.4 (MANE Select); coding-DNA position 28, G replaced by A.
Protein change: p.Val10Ile; replaces valine 10 with isoleucine.
Molecular consequence: missense variant.
Genome position (GRCh38, 1-based): chr4:154,590,660, C>T on the plus strand (G>A on the coding strand, the complement: FGA is on the minus strand). VCF-style: chr4-154590660-C-T. GRCh37 (hg19) VCF-style: chr4-155511812-C-T.
Other names: c.28G>A, p.Val10Ile (NM_000508.5); short protein forms V10I.
Identifiers: ClinVar variation 2443133 (VCV002443133.2), dbSNP rs1235187701, ClinGen allele CA358534515.

ClinVar aggregate classification (germline): Uncertain significance (0 of 4 stars; one submission).

Allele frequency attached by ClinVar (database versions not stated): gnomAD exomes below 0.00001; gnomAD 0.00001.
gnomAD v4.1: 3 of 1,558,580 alleles (0.00019%); highest among the groups gnomAD compares: African/African-American, 0.0014%; no homozygotes.

Submission:

Genetic Services Laboratory, University of Chicago
Classification: Uncertain significance. Last evaluated: 2022-07-18. Review status: no assertion criteria provided. Collection method: clinical testing. Allele origin: germline. Affected: no.
Comment: DNA sequence analysis of the FGA gene demonstrated a sequence change, c.28G>A, in exon 1 that results in an amino acid change, p.Val10Ile. This sequence change does not appear to have been previously described in individuals with FGA-related disorders. This sequence change has been described in the gnomAD database with a frequency of 0.0012% in the overall population (dbSNP rs1235187701). The p.Val10Ile change affects a moderately conserved amino acid residue located in a domain of the FGA protein that is not known to be functional. In-silico pathogenicity prediction tools (SIFT, PolyPhen2, Align GVGD, REVEL) provide contradictory results for the p.Val10Ile substitution. Due to insufficient evidences and the lack of functional studies, the clinical significance of the p.Val10Ile change remains unknown at this time.